The following is an entry in ClinVar:

NM_014915.3(ANKRD26):c.1694A>G (p.His565Arg)

Gene: ANKRD26 (ankyrin repeat domain 26; minus strand). Cytogenetic location: 10p12.1.
Variant type: single nucleotide variant.
Coding change: c.1694A>G on transcript NM_014915.3 (MANE Select); coding-DNA position 1694, A replaced by G.
Protein change: p.His565Arg; replaces histidine 565 with arginine.
Molecular consequence: missense variant.
Genome position (GRCh38, 1-based): chr10:27,048,921, T>C on the plus strand (A>G on the coding strand, the complement: ANKRD26 is on the minus strand). VCF-style: chr10-27048921-T-C. GRCh37 (hg19) VCF-style: chr10-27337850-T-C.
Other names: c.1694A>G, p.His565Arg (NM_001256053.2); short protein forms H565R.
Identifiers: ClinVar variation 3869263 (VCV003869263.2).

ClinVar aggregate classification (germline): Uncertain significance. Review status: criteria provided, multiple submitters, no conflicts (2 of 4 stars). 2 submissions from 2 submitters: Uncertain significance (2). Last evaluated 2025-10-09.

Conditions:
Inborn genetic diseases. Identifiers: MedGen C0950123, MeSH D030342.

gnomAD v4.1: 1 of 1,611,694 alleles (0.000062%); highest among the groups gnomAD compares: African/African-American, 0.0013%; no homozygotes.

Submissions (2):

Labcorp Genetics (formerly Invitae), Labcorp
Classification: Uncertain significance. Last evaluated: 2025-10-09. Review status: criteria provided, single submitter. Criteria: Invitae Variant Classification Sherloc (09022015). Collection method: clinical testing. Allele origin: germline.
Comment: This sequence change replaces histidine, which is basic and polar, with arginine, which is basic and polar, at codon 565 of the ANKRD26 protein (p.His565Arg). This variant is present in population databases (rs368474530, gnomAD 0.007%). This variant has not been reported in the literature in individuals affected with ANKRD26-related conditions. ClinVar contains an entry for this variant (Variation ID: 3869263). An algorithm developed to predict the effect of missense changes on protein structure and function (PolyPhen-2) suggests that this variant is likely to be tolerated. In summary, the available evidence is currently insufficient to determine the role of this variant in disease. Therefore, it has been classified as a Variant of Uncertain Significance.

Ambry Genetics
Classification: Uncertain significance for Inborn genetic diseases. Last evaluated: 2024-12-14. Review status: criteria provided, single submitter. Criteria: Ambry Variant Classification Scheme 2023. Collection method: clinical testing. Allele origin: germline.
Comment: The p.H565R variant (also known as c.1694A>G), located in coding exon 17 of the ANKRD26 gene, results from an A to G substitution at nucleotide position 1694. The histidine at codon 565 is replaced by arginine, an amino acid with highly similar properties. This amino acid position is conserved. In addition, this alteration is predicted to be tolerated by in silico analysis. Based on the available evidence, the clinical significance of this variant remains unclear.